The following is an entry in ClinVar:

ClinVar aggregate classification (germline): Uncertain significance. Review status: criteria provided, multiple submitters, no conflicts (2 of 4 stars). 2 submissions from 2 submitters: Uncertain significance (2). Last evaluated 2024-11-22.

Conditions:
Inborn genetic diseases. Identifiers: MedGen C0950123, MeSH D030342.

gnomAD v4.1: 7 of 1,614,098 alleles (0.00043%); highest among the groups gnomAD compares: South Asian, 0.0011%; no homozygotes.

Submissions (2):

Ambry Genetics
Classification: Uncertain significance for Inborn genetic diseases. Last evaluated: 2024-11-22. Review status: criteria provided, single submitter. Criteria: Ambry Variant Classification Scheme 2023. Collection method: clinical testing. Allele origin: germline.
Comment: The p.G710R variant (also known as c.2128G>A), located in coding exon 13 of the ASXL1 gene, results from a G to A substitution at nucleotide position 2128. The glycine at codon 710 is replaced by arginine, an amino acid with dissimilar properties. This amino acid position is conserved. In addition, this alteration is predicted to be tolerated by in silico analysis. Based on the available evidence, the clinical significance of this variant remains unclear.

Labcorp Genetics (formerly Invitae), Labcorp
Classification: Uncertain significance. Last evaluated: 2022-11-22. Review status: criteria provided, single submitter. Criteria: Invitae Variant Classification Sherloc (09022015). Collection method: clinical testing. Allele origin: germline.
Comment: In summary, the available evidence is currently insufficient to determine the role of this variant in disease. Therefore, it has been classified as a Variant of Uncertain Significance. Algorithms developed to predict the effect of missense changes on protein structure and function output the following: SIFT: "Tolerated"; PolyPhen-2: "Possibly Damaging"; Align-GVGD: "Class C0". The arginine amino acid residue is found in multiple mammalian species, which suggests that this missense change does not adversely affect protein function. This variant has not been reported in the literature in individuals affected with ASXL1-related conditions. This variant is not present in population databases (gnomAD no frequency). This sequence change replaces glycine, which is neutral and non-polar, with arginine, which is basic and polar, at codon 710 of the ASXL1 protein (p.Gly710Arg).

NM_015338.6(ASXL1):c.2128G>A (p.Gly710Arg)

Gene: ASXL1 (ASXL transcriptional regulator 1; plus strand). Cytogenetic location: 20q11.21.
Variant type: single nucleotide variant.
Coding change: c.2128G>A on transcript NM_015338.6 (MANE Select); coding-DNA position 2128, G replaced by A.
Protein change: p.Gly710Arg; replaces glycine 710 with arginine.
Molecular consequence: missense variant.
Genome position (GRCh38, 1-based): chr20:32,434,840, G>A. VCF-style: chr20-32434840-G-A. GRCh37 (hg19) VCF-style: chr20-31022643-G-A.
Other names: c.1945G>A, p.Gly649Arg (NM_001363734.1); short protein forms G649R, G710R.
Identifiers: ClinVar variation 1950401 (VCV001950401.6), dbSNP rs2145363700, ClinGen allele CA408559118.